The following is an entry in ClinVar:

ClinVar aggregate classification (germline): Uncertain significance. Review status: criteria provided, multiple submitters, no conflicts (2 of 4 stars). 2 submissions from 2 submitters: Uncertain significance (2). Last evaluated 2025-11-27.

Conditions:
Long QT syndrome (LQTS). Identifiers: MedGen C0023976, MeSH D008133, MONDO:0002442. Disease mechanism: loss of function. Inheritance: Various modes of inheritance.
Cardiovascular phenotype. Identifiers: MedGen CN230736.

gnomAD v4.1: 1 of 1,600,442 alleles (0.000062%); highest among the groups gnomAD compares: Non-Finnish European, 0.000086%; no homozygotes.

Submissions (2):

Labcorp Genetics (formerly Invitae), Labcorp
Classification: Uncertain significance for Long QT syndrome. Last evaluated: 2025-11-27. Review status: criteria provided, single submitter. Criteria: Invitae Variant Classification Sherloc (09022015). Collection method: clinical testing. Allele origin: germline.
Comment: This sequence change falls in intron 4 of the AKAP9 gene. It does not directly change the encoded amino acid sequence of the AKAP9 protein. It affects a nucleotide within the consensus splice site. This variant is not present in population databases (gnomAD no frequency). This variant has not been reported in the literature in individuals affected with AKAP9-related conditions. ClinVar contains an entry for this variant (Variation ID: 4034012). Variants that disrupt the consensus splice site are a relatively common cause of aberrant splicing (PMID: 17576681, 9536098). Algorithms developed to predict the effect of sequence changes on RNA splicing suggest that this variant is not likely to affect RNA splicing. In summary, the available evidence is currently insufficient to determine the role of this variant in disease. Therefore, it has been classified as a Variant of Uncertain Significance.

Ambry Genetics
Classification: Uncertain significance for Cardiovascular phenotype. Last evaluated: 2025-05-27. Review status: criteria provided, single submitter. Criteria: Ambry Variant Classification Scheme 2023. Collection method: clinical testing. Allele origin: germline.
Comment: The c.405+3A>G intronic variant results from an A to G substitution 3 nucleotides after coding exon 4 in the AKAP9 gene. This nucleotide position is highly conserved in available vertebrate species. In silico splice site analysis predicts that this alteration will not have any significant effect on splicing. Based on the available evidence, the clinical significance of this variant remains unclear.

Literature cited by the submitters: PubMed 17576681 (cited by Labcorp Genetics (formerly Invitae), Labcorp); PubMed 9536098 (cited by Labcorp Genetics (formerly Invitae), Labcorp).

NM_005751.5(AKAP9):c.405+3A>G

Gene: AKAP9 (A-kinase anchoring protein 9; plus strand). Cytogenetic location: 7q21.2.
Variant type: single nucleotide variant.
Coding change: c.405+3A>G on transcript NM_005751.5 (MANE Select); 3 bases into the intron after coding-DNA position 405, A replaced by G.
Molecular consequence: intron variant.
Genome position (GRCh38, 1-based): chr7:91,992,214, A>G. VCF-style: chr7-91992214-A-G. GRCh37 (hg19) VCF-style: chr7-91621528-A-G.
Other names: c.405+3A>G (NM_147185.3).
Identifiers: ClinVar variation 4034012 (VCV004034012.2).